The following is an entry in ClinVar:

ClinVar aggregate classification (germline): Uncertain significance (1 of 4 stars; one submission).

Conditions:
Thrombophilia due to protein S deficiency, autosomal recessive (THPH6). Identifiers: Orphanet 743, MedGen C3281092, MONDO:0013791, OMIM 614514. Disease mechanism: loss of function.

gnomAD v4.1: 10 of 1,612,918 alleles (0.00062%); highest among the groups gnomAD compares: Non-Finnish European, 0.00085%; no homozygotes.

Submission:

Labcorp Genetics (formerly Invitae), Labcorp
Classification: Uncertain significance for Thrombophilia due to protein S deficiency, autosomal recessive. Last evaluated: 2024-03-09. Review status: criteria provided, single submitter. Criteria: Invitae Variant Classification Sherloc (09022015). Collection method: clinical testing. Allele origin: germline.
Comment: This sequence change falls in intron 11 of the PROS1 gene. It does not directly change the encoded amino acid sequence of the PROS1 protein. It affects a nucleotide within the consensus splice site. This variant is present in population databases (rs373709319, gnomAD 0.0009%). This variant has not been reported in the literature in individuals affected with PROS1-related conditions. Variants that disrupt the consensus splice site are a relatively common cause of aberrant splicing (PMID: 17576681, 9536098). Algorithms developed to predict the effect of sequence changes on RNA splicing suggest that this variant is not likely to affect RNA splicing. In summary, the available evidence is currently insufficient to determine the role of this variant in disease. Therefore, it has been classified as a Variant of Uncertain Significance.

Literature cited by the submitters: PubMed 17576681; PubMed 9536098.

NM_000313.4(PROS1):c.1323+4A>G

Gene: PROS1 (protein S; minus strand). Cytogenetic location: 3q11.1.
Variant type: single nucleotide variant.
Coding change: c.1323+4A>G on transcript NM_000313.4 (MANE Select); 4 bases into the intron after coding-DNA position 1323, A replaced by G.
Molecular consequence: intron variant.
Genome position (GRCh38, 1-based): chr3:93,886,332, T>C on the plus strand (A>G on the coding strand, the complement: PROS1 is on the minus strand). VCF-style: chr3-93886332-T-C. GRCh37 (hg19) VCF-style: chr3-93605176-T-C.
Other names: c.1419+4A>G (NM_001314077.2).
Identifiers: ClinVar variation 3709325 (VCV003709325.2).